The following is an entry in ClinVar:

ClinVar aggregate classification (germline): Uncertain significance. Review status: criteria provided, multiple submitters, no conflicts (2 of 4 stars). 4 submissions from 4 submitters: Uncertain significance (4). Last evaluated 2026-02-11.

Conditions:
Inborn genetic diseases. Identifiers: MedGen C0950123, MeSH D030342.
DIS3L2-related disorder. Also called: DIS3L2-related condition.
Perlman syndrome (PRLMNS). Identifiers: Orphanet 2849, MedGen C0796113, MONDO:0009965, OMIM 267000.

Allele frequency attached by ClinVar (database versions not stated): gnomAD exomes 0.00004 and 0.00009; gnomAD 0.00008 and 0.00010; TOPMed 0.00011; ExAC 0.00012; ESP Exome Variant Server 0.00016.
gnomAD v4.1: 70 of 1,602,494 alleles (0.0044%); highest among the groups gnomAD compares: Admixed American, 0.037%; no homozygotes.

Submissions (4):

St. Jude Molecular Pathology, St. Jude Children's Research Hospital
Classification: Uncertain significance for Perlman syndrome. Last evaluated: 2026-02-11. Review status: criteria provided, single submitter. Criteria: St. Jude Assertion Criteria 2020. Collection method: clinical testing. Allele origin: germline.
Comment: The DIS3L2 c.1795C>T p.(Arg599Cys) missense change has a maximum subpopulation frequency of 0.052% in gnomAD v2.1.1. The in silico tool REVEL predicts a benign effect on protein function, but to our knowledge this prediction has not been confirmed by functional studies. To our knowledge, this variant has not been reported in individuals with DIS3L2-associated conditions. In summary, the evidence currently available is insufficient to determine the clinical significance of this variant. It has therefore been classified as of uncertain significance.

Labcorp Genetics (formerly Invitae), Labcorp
Classification: Uncertain significance for Perlman syndrome. Last evaluated: 2025-10-01. Review status: criteria provided, single submitter. Criteria: Invitae Variant Classification Sherloc (09022015). Collection method: clinical testing. Allele origin: germline.
Comment: This sequence change replaces arginine, which is basic and polar, with cysteine, which is neutral and slightly polar, at codon 599 of the DIS3L2 protein (p.Arg599Cys). This variant is present in population databases (rs370448481, gnomAD 0.05%). This variant has not been reported in the literature in individuals affected with DIS3L2-related conditions. ClinVar contains an entry for this variant (Variation ID: 463075). Invitae Evidence Modeling of protein sequence and biophysical properties (such as structural, functional, and spatial information, amino acid conservation, physicochemical variation, residue mobility, and thermodynamic stability) indicates that this missense variant is not expected to disrupt DIS3L2 protein function with a negative predictive value of 80%. In summary, the available evidence is currently insufficient to determine the role of this variant in disease. Therefore, it has been classified as a Variant of Uncertain Significance.

Ambry Genetics
Classification: Uncertain significance for Inborn genetic diseases. Last evaluated: 2024-06-07. Review status: criteria provided, single submitter. Criteria: Ambry Variant Classification Scheme 2023. Collection method: clinical testing. Allele origin: germline.

PreventionGenetics, part of Exact Sciences
Classification: Uncertain significance for DIS3L2-related condition. Last evaluated: 2023-07-19. Review status: criteria provided, single submitter. Criteria: ACMG Guidelines, 2015. Collection method: clinical testing. Allele origin: germline.
Comment: The DIS3L2 c.1795C>T variant is predicted to result in the amino acid substitution p.Arg599Cys. To our knowledge, this variant has not been reported in the literature. This variant is reported in 0.052% of alleles in individuals of Latino descent in gnomAD. Although we suspect that this variant may be benign, at this time, the clinical significance of this variant is uncertain due to the absence of conclusive functional and genetic evidence.

NM_152383.5(DIS3L2):c.1795C>T (p.Arg599Cys)

Gene: DIS3L2 (DIS3 like 3'-5' exoribonuclease 2; plus strand). Cytogenetic location: 2q37.1.
Variant type: single nucleotide variant.
Coding change: c.1795C>T on transcript NM_152383.5 (MANE Select); coding-DNA position 1795, C replaced by T.
Protein change: p.Arg599Cys; replaces arginine 599 with cysteine.
Molecular consequence: missense variant. On other transcripts: intron variant (1).
Genome position (GRCh38, 1-based): chr2:232,329,868, C>T. VCF-style: chr2-232329868-C-T. GRCh37 (hg19) VCF-style: chr2-233194578-C-T.
Other names: c.1582-13477C>T (NM_001257281.2); short protein forms R599C.
Identifiers: ClinVar variation 463075 (VCV000463075.13), dbSNP rs370448481, ClinGen allele CA2164271.